The following is an entry in ClinVar:

ClinVar aggregate classification (germline): Uncertain significance. Review status: criteria provided, multiple submitters, no conflicts (2 of 4 stars). 2 submissions from 2 submitters: Uncertain significance (2). Last evaluated 2024-12-06.

Conditions:
Inborn genetic diseases. Identifiers: MedGen C0950123, MeSH D030342.

gnomAD v4.1: 7 of 1,565,918 alleles (0.00045%); highest among the groups gnomAD compares: African/African-American, 0.0013%; no homozygotes.

Submissions (2):

Ambry Genetics
Classification: Uncertain significance for Inborn genetic diseases. Last evaluated: 2024-12-06. Review status: criteria provided, single submitter. Criteria: Ambry Variant Classification Scheme 2023. Collection method: clinical testing. Allele origin: germline.

Labcorp Genetics (formerly Invitae), Labcorp
Classification: Uncertain significance. Last evaluated: 2022-05-08. Review status: criteria provided, single submitter. Criteria: Invitae Variant Classification Sherloc (09022015). Collection method: clinical testing. Allele origin: germline.
Comment: This variant is not present in population databases (gnomAD no frequency). This sequence change replaces proline, which is neutral and non-polar, with leucine, which is neutral and non-polar, at codon 662 of the PLOD3 protein (p.Pro662Leu). In summary, the available evidence is currently insufficient to determine the role of this variant in disease. Therefore, it has been classified as a Variant of Uncertain Significance. Algorithms developed to predict the effect of missense changes on protein structure and function are either unavailable or do not agree on the potential impact of this missense change (SIFT: "Deleterious"; PolyPhen-2: "Possibly Damaging"; Align-GVGD: "Class C0"). This variant has not been reported in the literature in individuals affected with PLOD3-related conditions.

NM_001084.5(PLOD3):c.1985C>T (p.Pro662Leu)

Gene: PLOD3 (procollagen-lysine,2-oxoglutarate 5-dioxygenase 3; minus strand). Cytogenetic location: 7q22.1.
Variant type: single nucleotide variant.
Coding change: c.1985C>T on transcript NM_001084.5 (MANE Select); coding-DNA position 1985, C replaced by T.
Protein change: p.Pro662Leu; replaces proline 662 with leucine.
Molecular consequence: missense variant.
Genome position (GRCh38, 1-based): chr7:101,206,855, G>A on the plus strand (C>T on the coding strand, the complement: PLOD3 is on the minus strand). VCF-style: chr7-101206855-G-A. GRCh37 (hg19) VCF-style: chr7-100850136-G-A.
Other names: c.1985C>T (NM_001084.4); short protein forms P662L.
Identifiers: ClinVar variation 1914353 (VCV001914353.6), dbSNP rs138165832, ClinGen allele CA368609648.